The following is an entry in ClinVar:

NM_004977.3(KCNC3):c.40C>T (p.Gln14Ter)

Genes: KCNC3 (potassium voltage-gated channel subfamily C member 3; minus strand), LOC111811967 (Sharpr-MPRA regulatory region 11330/13384; plus strand). Cytogenetic location: 19q13.33.
Variant type: single nucleotide variant.
Coding change: c.40C>T on transcript NM_004977.3 (MANE Select); coding-DNA position 40, C replaced by T.
Protein change: p.Gln14Ter; replaces glutamine 14 with a stop codon.
Molecular consequence: nonsense. On other transcripts: 5 prime UTR variant (1).
Genome position (GRCh38, 1-based): chr19:50,329,043, G>A on the plus strand (C>T on the coding strand, the complement: KCNC3 is on the minus strand). VCF-style: chr19-50329043-G-A. GRCh37 (hg19) VCF-style: chr19-50832300-G-A.
Other names: c.-189C>T (NM_001372305.1); short protein forms Q14*.
Identifiers: ClinVar variation 1801886 (VCV001801886.1), dbSNP rs1200807677, ClinGen allele CA406956924.

ClinVar aggregate classification (germline): Uncertain significance (1 of 4 stars; one submission).

Allele frequency attached by ClinVar (database versions not stated): gnomAD exomes below 0.00001; gnomAD 0.00001; TOPMed 0.00001.
gnomAD v4.1: 4 of 1,357,038 alleles (0.00029%); highest among the groups gnomAD compares: Admixed American, 0.0027%; no homozygotes.

Submission:

GeneDx
Classification: Uncertain significance. Last evaluated: 2022-06-03. Review status: criteria provided, single submitter. Criteria: GeneDx Variant Classification Process June 2021. Collection method: clinical testing. Allele origin: germline. Affected: yes.
Comment: Nonsense variant predicted to result in protein truncation or nonsense mediated decay in a gene or region of a gene for which loss of function is not a well-established mechanism of disease; Not observed at significant frequency in large population cohorts (gnomAD); Has not been previously published as pathogenic or benign to our knowledge